The following is an entry in ClinVar:

NM_014009.4(FOXP3):c.871_894dup (p.Pro298_Arg299insValValProAlaTrpSerGlyPro)

Gene: FOXP3 (forkhead box P3; minus strand). Cytogenetic location: Xp11.23.
Variant type: Duplication.
Coding change: c.871_894dup on transcript NM_014009.4 (MANE Select); coding-DNA positions 871 to 894, 24 bases duplicated (GTCGTCCCAGCCTGGTCTGGCCCC).
Protein change: p.Pro298_Arg299insValValProAlaTrpSerGlyPro.
Genome position (GRCh38, 1-based): chrX:49,253,990-49,254,013, GGGGCCAGACCAGGCTGGGACGAC duplicated on the plus strand (GTCGTCCCAGCCTGGTCTGGCCCC on the coding strand, the reverse complement: FOXP3 is on the minus strand). VCF-style (leftmost placement, unchanged base first): chrX-49253989-G-GGGGGCCAGACCAGGCTGGGACGAC. GRCh37 (hg19) VCF-style: chrX-49110450-G-GGGGGCCAGACCAGGCTGGGACGAC.
Other names: c.766_789dup, p.Pro263_Arg264insValValProAlaTrpSerGlyPro (NM_001114377.2).
Identifiers: ClinVar variation 3725024 (VCV003725024.2).

ClinVar aggregate classification (germline): Uncertain significance (1 of 4 stars; one submission).

Conditions:
Insulin-dependent diabetes mellitus secretory diarrhea syndrome (IPEX). Also called: Immunodysregulation, polyendocrinopathy, and enteropathy, X-linked; IPEX and IPEX-Like; X-Linked Autoimmunity-Allergic Dysregulation Syndrome; Immune dysregulation-polyendocrinopathy-enteropathy-X-linked syndrome; Immunodeficiency, Polyendocrinopathy, and Enteropathy X-Linked Syndrome; X-Linked Syndrome of Polyendocrinopathy, Immune Dysfunction, and Diarrhea. Identifiers: Orphanet 37042, MedGen C0342288, MONDO:0010580, OMIM 304790. Disease mechanism: loss of function.

Submission:

Labcorp Genetics (formerly Invitae), Labcorp
Classification: Uncertain significance for Insulin-dependent diabetes mellitus secretory diarrhea syndrome. Last evaluated: 2024-12-12. Review status: criteria provided, single submitter. Criteria: Invitae Variant Classification Sherloc (09022015). Collection method: clinical testing. Allele origin: germline.
Comment: This variant, c.871_894dup, results in the insertion of 8 amino acid(s) of the FOXP3 protein (p.Val291_Pro298dup), but otherwise preserves the integrity of the reading frame. This variant is not present in population databases (gnomAD no frequency). This variant has not been reported in the literature in individuals affected with FOXP3-related conditions. In summary, the available evidence is currently insufficient to determine the role of this variant in disease. Therefore, it has been classified as a Variant of Uncertain Significance.